The following is an entry in ClinVar:

NM_005751.5(AKAP9):c.5564A>G (p.Glu1855Gly)

Gene: AKAP9 (A-kinase anchoring protein 9; plus strand). Cytogenetic location: 7q21.2.
Variant type: single nucleotide variant.
Coding change: c.5564A>G on transcript NM_005751.5 (MANE Select); coding-DNA position 5564, A replaced by G.
Protein change: p.Glu1855Gly; replaces glutamic acid 1855 with glycine.
Molecular consequence: missense variant.
Genome position (GRCh38, 1-based): chr7:92,052,921, A>G. VCF-style: chr7-92052921-A-G. GRCh37 (hg19) VCF-style: chr7-91682235-A-G.
Other names: c.5564A>G, p.Glu1855Gly (NM_147185.3); short protein forms E1855G.
Identifiers: ClinVar variation 3849543 (VCV003849543.1).

ClinVar aggregate classification (germline): Uncertain significance (1 of 4 stars; one submission).

Conditions:
Cardiovascular phenotype. Identifiers: MedGen CN230736.

Submission:

Ambry Genetics
Classification: Uncertain significance for Cardiovascular phenotype. Last evaluated: 2025-02-01. Review status: criteria provided, single submitter. Criteria: Ambry Variant Classification Scheme 2023. Collection method: clinical testing. Allele origin: germline.
Comment: The p.E1855G variant (also known as c.5564A>G), located in coding exon 22 of the AKAP9 gene, results from an A to G substitution at nucleotide position 5564. The glutamic acid at codon 1855 is replaced by glycine, an amino acid with similar properties. This amino acid position is conserved. In addition, this alteration is predicted to be tolerated by in silico analysis. Based on the available evidence, the clinical significance of this variant remains unclear.